The following is an entry in ClinVar:

NM_003079.5(SMARCE1):c.715-8del

Gene: SMARCE1 (SWI/SNF related BAF chromatin remodeling complex subunit E1; minus strand). Cytogenetic location: 17q21.2.
Variant type: Deletion.
Coding change: c.715-8del on transcript NM_003079.5 (MANE Select); 8 bases into the intron before coding-DNA position 715, one base deleted (T; older notation c.715-8delT).
Molecular consequence: intron variant.
Genome position (GRCh38, 1-based): chr17:40,631,701, A deleted on the plus strand (T on the coding strand, the reverse complement: SMARCE1 is on the minus strand). VCF-style (leftmost placement, unchanged base first): chr17-40631700-GA-G. GRCh37 (hg19) VCF-style: chr17-38787952-GA-G.
Identifiers: ClinVar variation 3649484 (VCV003649484.2).

ClinVar aggregate classification (germline): Uncertain significance (1 of 4 stars; one submission).

Conditions:
Familial meningioma. Also called: Meningioma, familial, susceptibility to. Identifiers: Orphanet 263662, MedGen C3551915, MONDO:0011789, OMIM 607174.

Submission:

Labcorp Genetics (formerly Invitae), Labcorp
Classification: Uncertain significance for Familial meningioma. Last evaluated: 2024-04-10. Review status: criteria provided, single submitter. Criteria: Invitae Variant Classification Sherloc (09022015). Collection method: clinical testing. Allele origin: germline.
Comment: This sequence change falls in intron 8 of the SMARCE1 gene. It does not directly change the encoded amino acid sequence of the SMARCE1 protein. This variant is not present in population databases (gnomAD no frequency). This variant has not been reported in the literature in individuals affected with SMARCE1-related conditions. Algorithms developed to predict the effect of sequence changes on RNA splicing suggest that this variant may disrupt the consensus splice site. In summary, the available evidence is currently insufficient to determine the role of this variant in disease. Therefore, it has been classified as a Variant of Uncertain Significance.